The following is an entry in ClinVar:

ClinVar aggregate classification (germline): Uncertain significance. Review status: criteria provided, multiple submitters, no conflicts (2 of 4 stars). 3 submissions from 3 submitters: Uncertain significance (3). Last evaluated 2022-03-29.

Conditions:
Senior-Loken syndrome 6 (SLSN6). Identifiers: Orphanet 3156, MedGen C1857779, MONDO:0012433, OMIM 610189.
Joubert syndrome 5 (JBTS5). Identifiers: Orphanet 2318, MedGen C1857780, MONDO:0012432, OMIM 610188.
Leber congenital amaurosis 10 (LCA10). Identifiers: Orphanet 65, MedGen C1857821, MONDO:0012723, OMIM 611755.
Meckel syndrome, type 4 (MKS4). Also called: MECKEL-GRUBER SYNDROME, TYPE 4. Identifiers: Orphanet 564, MedGen C1970161, MONDO:0012626, OMIM 611134.
Bardet-Biedl syndrome 14 (BBS14). Identifiers: Orphanet 110, MedGen C2673874, MONDO:0014442, OMIM 615991.
Nephronophthisis. Also called: Juvenile Nephronophthisis. Identifiers: Orphanet 655, MedGen C0687120, MONDO:0019005, HP:0000090.
Joubert syndrome. Also called: JOUBERT-BOLTSHAUSER SYNDROME; Familial aplasia of the vermis. Identifiers: Orphanet 475, MedGen C5979921, MONDO:0018772.
Meckel-Gruber syndrome. Also called: Dysencephalia splachnocystica; DYSENCEPHALIA SPLANCHNOCYSTICA; GRUBER SYNDROME. Identifiers: Orphanet 564, MedGen C0265215, MONDO:0018921.

Submissions (3):

Labcorp Genetics (formerly Invitae), Labcorp
Classification: Uncertain significance for Joubert syndrome; Meckel-Gruber syndrome; Nephronophthisis. Last evaluated: 2022-03-29. Review status: criteria provided, single submitter. Criteria: Invitae Variant Classification Sherloc (09022015). Collection method: clinical testing. Allele origin: germline.
Comment: This sequence change replaces glutamic acid, which is acidic and polar, with aspartic acid, which is acidic and polar, at codon 1935 of the CEP290 protein (p.Glu1935Asp). This variant is not present in population databases (gnomAD no frequency). This variant has not been reported in the literature in individuals affected with CEP290-related conditions. Algorithms developed to predict the effect of missense changes on protein structure and function are either unavailable or do not agree on the potential impact of this missense change (SIFT: "Tolerated"; PolyPhen-2: "Probably Damaging"; Align-GVGD: "Class C0"). In summary, the available evidence is currently insufficient to determine the role of this variant in disease. Therefore, it has been classified as a Variant of Uncertain Significance.

Fulgent Genetics
Classification: Uncertain significance for Joubert syndrome 5; Senior-Loken syndrome 6; Meckel syndrome, type 4; Leber congenital amaurosis 10; Bardet-Biedl syndrome 14. Last evaluated: 2021-12-09. Review status: criteria provided, single submitter. Criteria: ACMG Guidelines, 2015. Collection method: clinical testing. Allele origin: unknown.

Blueprint Genetics
Classification: Uncertain significance. Last evaluated: 2021-11-02. Review status: criteria provided, single submitter. Criteria: ACMG Guidelines, 2015. Collection method: clinical testing. Allele origin: germline.

NM_025114.4(CEP290):c.5805A>T (p.Glu1935Asp)

Gene: CEP290 (centrosomal protein 290; minus strand). Cytogenetic location: 12q21.32.
Variant type: single nucleotide variant.
Coding change: c.5805A>T on transcript NM_025114.4 (MANE Select); coding-DNA position 5805, A replaced by T.
Protein change: p.Glu1935Asp; replaces glutamic acid 1935 with aspartic acid.
Molecular consequence: missense variant.
Genome position (GRCh38, 1-based): chr12:88,071,831, T>A on the plus strand (A>T on the coding strand, the complement: CEP290 is on the minus strand). VCF-style: chr12-88071831-T-A. GRCh37 (hg19) VCF-style: chr12-88465608-T-A.
Other names: short protein forms E1935D.
Identifiers: ClinVar variation 1408836 (VCV001408836.7), dbSNP rs2136964084, ClinGen allele CA385984685.